The following is an entry in ClinVar:

ClinVar aggregate classification (germline): Uncertain significance (1 of 4 stars; one submission).

Submission:

GeneDx
Classification: Uncertain significance. Last evaluated: 2022-09-28. Review status: criteria provided, single submitter. Criteria: GeneDx Variant Classification Process June 2021. Collection method: clinical testing. Allele origin: germline. Affected: yes.
Comment: Not observed at significant frequency in large population cohorts (gnomAD); Nonsense variant predicted to result in protein truncation or nonsense mediated decay in a gene or region of a gene for which loss of function is not a well-established mechanism of disease.; Has not been previously published as pathogenic or benign to our knowledge; Variants in candidate genes are classified as variants of uncertain significance in accordance with ACMG guidelines (Richards et al., 2015)

NM_033026.6(PCLO):c.1237C>T (p.Gln413Ter)

Gene: PCLO (piccolo presynaptic cytomatrix protein; minus strand). Cytogenetic location: 7q21.11.
Variant type: single nucleotide variant.
Coding change: c.1237C>T on transcript NM_033026.6 (MANE Select); coding-DNA position 1237, C replaced by T.
Protein change: p.Gln413Ter; replaces glutamine 413 with a stop codon.
Molecular consequence: nonsense.
Genome position (GRCh38, 1-based): chr7:83,155,404, G>A on the plus strand (C>T on the coding strand, the complement: PCLO is on the minus strand). VCF-style: chr7-83155404-G-A. GRCh37 (hg19) VCF-style: chr7-82784720-G-A.
Other names: c.1237C>T, p.Gln413Ter (NM_014510.3); short protein forms Q413*.
Identifiers: ClinVar variation 3903232 (VCV003903232.1).
Genomic context (GRCh38, chr7:83,155,404, plus strand): 5'-CCTTAGCTGGAGACTGTAGCCCAGGTTGTTGAGCTAGGGGTTTTGGTGTCCCCACCTGCT[G>A]GGTTGGAGGCTTTGCTGGCCCTGGCTGTTGAGCTGGAGTCTTTCCAACTCCAGGAGGCTG-3'